The following is an entry in ClinVar:

ClinVar aggregate classification (germline): Uncertain significance. Review status: criteria provided, multiple submitters, no conflicts (2 of 4 stars). 2 submissions from 2 submitters: Uncertain significance (2). Last evaluated 2024-11-04.

Conditions:
Inborn genetic diseases. Identifiers: MedGen C0950123, MeSH D030342.
Charcot-Marie-Tooth disease dominant intermediate C (CMTDIC). Also called: CHARCOT-MARIE-TOOTH NEUROPATHY, DOMINANT INTERMEDIATE C. Identifiers: Orphanet 100045, MedGen C1842237, MONDO:0012012, OMIM 608323.

Allele frequency attached by ClinVar (database versions not stated): gnomAD 0.00001; TOPMed 0.00001; gnomAD exomes 0.00004; ExAC 0.00005.
gnomAD v4.1: 36 of 1,614,096 alleles (0.0022%); highest among the groups gnomAD compares: South Asian, 0.029%; no homozygotes.

Submissions (2):

Labcorp Genetics (formerly Invitae), Labcorp
Classification: Uncertain significance for Charcot-Marie-Tooth disease dominant intermediate C. Last evaluated: 2024-11-04. Review status: criteria provided, single submitter. Criteria: Invitae Variant Classification Sherloc (09022015). Collection method: clinical testing. Allele origin: germline.
Comment: This sequence change replaces arginine, which is basic and polar, with glutamine, which is neutral and polar, at codon 367 of the YARS protein (p.Arg367Gln). This variant is present in population databases (rs762473756, gnomAD 0.04%). This variant has not been reported in the literature in individuals affected with YARS-related conditions. ClinVar contains an entry for this variant (Variation ID: 642748). Invitae Evidence Modeling of protein sequence and biophysical properties (such as structural, functional, and spatial information, amino acid conservation, physicochemical variation, residue mobility, and thermodynamic stability) indicates that this missense variant is not expected to disrupt YARS protein function with a negative predictive value of 80%. This variant disrupts the p.Arg367 amino acid residue in YARS. Other variant(s) that disrupt this residue have been determined to be pathogenic (PMID: 29302074, 31130284, 34536092). This suggests that this residue is clinically significant, and that variants that disrupt this residue are likely to be disease-causing. In summary, the available evidence is currently insufficient to determine the role of this variant in disease. Therefore, it has been classified as a Variant of Uncertain Significance.

Ambry Genetics
Classification: Uncertain significance for Inborn genetic diseases. Last evaluated: 2020-12-22. Review status: criteria provided, single submitter. Criteria: Ambry Variant Classification Scheme 2023. Collection method: clinical testing. Allele origin: germline.
Comment: The p.R367Q variant (also known as c.1100G>A), located in coding exon 10 of the YARS gene, results from a G to A substitution at nucleotide position 1100. The arginine at codon 367 is replaced by glutamine, an amino acid with highly similar properties. This amino acid position is highly conserved in available vertebrate species. In addition, this alteration is predicted to be deleterious by in silico analysis. Based on the supporting evidence, this variant is unlikely to be causative of Charcot-Marie-Tooth disease, dominant intermediate C (CMTDIC); however, its contribution to the development of YARS-related multi-system disorder is uncertain.

Literature cited by the submitters: PubMed 29302074 (cited by Labcorp Genetics (formerly Invitae), Labcorp); PubMed 31130284 (cited by Labcorp Genetics (formerly Invitae), Labcorp); PubMed 34536092 (cited by Labcorp Genetics (formerly Invitae), Labcorp).

NM_003680.4(YARS1):c.1100G>A (p.Arg367Gln)

Gene: YARS1 (tyrosyl-tRNA synthetase 1; minus strand). Cytogenetic location: 1p35.1.
Variant type: single nucleotide variant.
Coding change: c.1100G>A on transcript NM_003680.4 (MANE Select); coding-DNA position 1100, G replaced by A.
Protein change: p.Arg367Gln; replaces arginine 367 with glutamine.
Molecular consequence: missense variant.
Genome position (GRCh38, 1-based): chr1:32,781,088, C>T on the plus strand (G>A on the coding strand, the complement: YARS1 is on the minus strand). VCF-style: chr1-32781088-C-T. GRCh37 (hg19) VCF-style: chr1-33246689-C-T.
Other names: short protein forms R367Q.
Identifiers: ClinVar variation 642748 (VCV000642748.10), dbSNP rs762473756, ClinGen allele CA744988.